The following is an entry in ClinVar:

NM_003002.4(SDHD):c.89A>C (p.His30Pro)

Gene: SDHD (succinate dehydrogenase complex subunit D; plus strand). Cytogenetic location: 11q23.1.
Variant type: single nucleotide variant.
Coding change: c.89A>C on transcript NM_003002.4 (MANE Select); coding-DNA position 89, A replaced by C.
Protein change: p.His30Pro; replaces histidine 30 with proline.
Molecular consequence: missense variant. On other transcripts: non-coding transcript variant (1), intron variant (1).
Genome position (GRCh38, 1-based): chr11:112,087,893, A>C. VCF-style: chr11-112087893-A-C. GRCh37 (hg19) VCF-style: chr11-111958617-A-C.
Other names: c.89A>C, p.His30Pro (NM_001276503.2, NM_001276506.2); c.52+934A>C (NM_001276504.2); short protein forms H30P.
Identifiers: ClinVar variation 648612 (VCV000648612.15), dbSNP rs1592778803, ClinGen allele CA16616760.
Genomic context (GRCh38, chr11:112,087,893, plus strand): 5'-TCATCCTAATGACTCTTTCCTCAGCTCTGTTGCTTCGAACTCCAGTGGTCAGACCTGCTC[A>C]TATCTCAGCATTTCTTCAGGACCGACCTATCCCAGAATGGTGTGGAGTGCAGCACATACA-3'
Protein context (NP_002993.1, residues 20-40): LLRTPVVRPA[His30Pro]ISAFLQDRPI

ClinVar aggregate classification (germline): Uncertain significance. Review status: criteria provided, multiple submitters, no conflicts (2 of 4 stars). 5 submissions from 5 submitters: Uncertain significance (5). Last evaluated 2025-08-11.

Conditions:
Hereditary pheochromocytoma and paraganglioma. Also called: Hereditary paragangliomas and pheochromocytomas; Hereditary pheochromocytoma-paraganglioma; Hereditary Paraganglioma-Pheochromocytoma Syndromes. Identifiers: Orphanet 29072, MedGen C4274332, MONDO:0017366.
Hereditary cancer-predisposing syndrome. Also called: Tumor predisposition; Hereditary Cancer Syndrome; Hereditary neoplastic syndrome; Neoplastic Syndromes, Hereditary. Identifiers: Orphanet 140162, MedGen C0027672, MeSH D009386, MONDO:0015356.
Cowden syndrome 3 (CWS3). Identifiers: Orphanet 201, MedGen CN166604, MONDO:0014045.
Paragangliomas with sensorineural hearing loss. Identifiers: MedGen C1868633.
Carney-Stratakis syndrome. Also called: PARAGANGLIOMA AND GASTROINTESTINAL STROMAL TUMOR. Identifiers: Orphanet 97286, MedGen C1847319, MONDO:0011740, OMIM 606864.
Pheochromocytoma. Also called: MAX-Related Hereditary Paraganglioma-Pheochromocytoma Syndrome. Identifiers: Orphanet 29072, MedGen C0031511, MONDO:0008233, OMIM 171300, HP:0002666.

Allele frequency attached by ClinVar (database versions not stated): gnomAD 0.00001.

Submissions (5):

Labcorp Genetics (formerly Invitae), Labcorp
Classification: Uncertain significance for Carney-Stratakis syndrome; Paragangliomas with sensorineural hearing loss; Pheochromocytoma; Cowden syndrome 3. Last evaluated: 2025-08-11. Review status: criteria provided, single submitter. Criteria: Invitae Variant Classification Sherloc (09022015). Collection method: clinical testing. Allele origin: germline.
Comment: This sequence change replaces histidine, which is basic and polar, with proline, which is neutral and non-polar, at codon 30 of the SDHD protein (p.His30Pro). This variant is not present in population databases (gnomAD no frequency). This variant has not been reported in the literature in individuals affected with SDHD-related conditions. ClinVar contains an entry for this variant (Variation ID: 648612). Invitae Evidence Modeling of protein sequence and biophysical properties (such as structural, functional, and spatial information, amino acid conservation, physicochemical variation, residue mobility, and thermodynamic stability) indicates that this missense variant is not expected to disrupt SDHD protein function with a negative predictive value of 95%. In summary, the available evidence is currently insufficient to determine the role of this variant in disease. Therefore, it has been classified as a Variant of Uncertain Significance.

Quest Diagnostics Nichols Institute San Juan Capistrano
Classification: Uncertain significance. Last evaluated: 2025-06-12. Review status: criteria provided, single submitter. Criteria: Quest Diagnostics criteria. Collection method: clinical testing. Allele origin: unknown.
Comment: The SDHD c.89A>C (p.His30Pro) variant has not been reported in individuals with SDHD-related conditions in the published literature. The frequency of this variant in the general population (Genome Aggregation Database) is uninformative in the assessment of its pathogenicity. Analysis of this variant using bioinformatics tools for the prediction of the effect of amino acid changes on protein structure and function yielded predictions that this variant is benign. Based on the available information, we are unable to determine the clinical significance of this variant.

Ambry Genetics
Classification: Uncertain significance for Hereditary cancer-predisposing syndrome. Last evaluated: 2024-06-18. Review status: criteria provided, single submitter. Criteria: Ambry Variant Classification Scheme 2023. Collection method: clinical testing. Allele origin: germline.
Comment: The p.H30P variant (also known as c.89A>C), located in coding exon 2 of the SDHD gene, results from an A to C substitution at nucleotide position 89. The histidine at codon 30 is replaced by proline, an amino acid with similar properties. This amino acid position is conserved. In addition, the in silico prediction for this alteration is inconclusive. Based on the available evidence, the clinical significance of this variant remains unclear.

All of Us Research Program, National Institutes of Health
Classification: Uncertain significance for Hereditary pheochromocytoma and paraganglioma. Last evaluated: 2023-05-31. Review status: criteria provided, single submitter. Criteria: ACMG Guidelines, 2015. Collection method: clinical testing. Allele origin: germline. Inheritance: Autosomal dominant inheritance. Observed: 1 variant allele, 1 heterozygote.
Comment: This study involves interpretation of variants in research participants for the purpose of population health screening. Participant phenotype was not available at the time of variant classification. Additional details can be found in publication PMID: 35346344, PMCID: PMC8962531

GeneDx
Classification: Uncertain significance. Last evaluated: 2022-04-11. Review status: criteria provided, single submitter. Criteria: GeneDx Variant Classification Process June 2021. Collection method: clinical testing. Allele origin: germline. Affected: yes.
Comment: Not observed at significant frequency in large population cohorts (gnomAD); In silico analysis supports that this missense variant has a deleterious effect on protein structure/function; Has not been previously published as pathogenic or benign to our knowledge